The following is an entry in ClinVar:

NM_001110556.2(FLNA):c.1761G>A (p.Glu587=)

Gene: FLNA (filamin A; minus strand). Cytogenetic location: Xq28.
Variant type: single nucleotide variant.
Coding change: c.1761G>A on transcript NM_001110556.2 (MANE Select); coding-DNA position 1761, G replaced by A.
Protein change: p.Glu587=; no amino-acid change (glutamic acid 587 retained).
Molecular consequence: synonymous variant.
Genome position (GRCh38, 1-based): chrX:154,364,888, C>T on the plus strand (G>A on the coding strand, the complement: FLNA is on the minus strand). VCF-style: chrX-154364888-C-T. GRCh37 (hg19) VCF-style: chrX-153593256-C-T.
Other names: c.1761G>A, p.Glu587= (NM_001456.4); c.1761G>A (NM_001110556.1).
Identifiers: ClinVar variation 390933 (VCV000390933.21), dbSNP rs377261686, ClinGen allele CA10561088.

ClinVar aggregate classification (germline): Likely benign. Review status: criteria provided, multiple submitters, no conflicts (2 of 4 stars). 6 submissions from 6 submitters: Likely benign (5). 1 of the submissions does not count toward it. Last evaluated 2026-01-18.

Conditions:
FLNA-related disorder.
Heterotopia, periventricular, X-linked dominant (PVNH1). Also called: PERIVENTRICULAR NODULAR HETEROTOPIA 4; HETEROTOPIA, PERIVENTRICULAR, 1; PERIVENTRICULAR NODULAR HETEROTOPIA 1; X-linked periventricular heterotopia. Identifiers: Orphanet 2149, Orphanet 82004, MedGen C1848213, MONDO:0010233, OMIM 300049.
Frontometaphyseal dysplasia (FMD1). Identifiers: Orphanet 1826, MedGen C0265293, MONDO:0015942.
Oto-palato-digital syndrome, type II (OPD2). Also called: Otopalatodigital Syndrome, Type II; Otopalatodigital Syndrome Type 2 (FLNA-OPD2); OPD II SYNDROME; FACIOPALATOOSSEOUS SYNDROME. Identifiers: Orphanet 669, Orphanet 90652, MedGen C1844696, MONDO:0010571, OMIM 304120.
Melnick-Needles syndrome (MNS). Also called: Melnick-Needles Syndrome (FLNA-MNS); MELNICK-NEEDLES OSTEODYSPLASTY; OSTEODYSPLASTY OF MELNICK AND NEEDLES. Identifiers: Orphanet 2484, MedGen C0025237, MONDO:0010650, OMIM 309350.
Familial thoracic aortic aneurysm and aortic dissection (TAAD). Also called: Thoracic aortic aneurysms and dissections. Identifiers: Orphanet 91387, MedGen C4707243, MONDO:0019625.

Allele frequency attached by ClinVar (database versions not stated): gnomAD exomes 0.00002 and 0.00006; ExAC 0.00003; ESP Exome Variant Server 0.00020; TOPMed 0.00025; gnomAD 0.00034 and 0.00037.
gnomAD v4.1: 59 of 1,210,228 alleles (0.0049%); highest among the groups gnomAD compares: African/African-American, 0.092%; no homozygotes.

Submissions (6):

Labcorp Genetics (formerly Invitae), Labcorp
Classification: Likely benign for Oto-palato-digital syndrome, type II; Heterotopia, periventricular, X-linked dominant; Frontometaphyseal dysplasia; Melnick-Needles syndrome. Last evaluated: 2026-01-18. Review status: criteria provided, single submitter. Criteria: Invitae Variant Classification Sherloc (09022015). Collection method: clinical testing. Allele origin: germline.

Blueprint Genetics
Classification: Likely benign. Last evaluated: 2024-07-06. Review status: criteria provided, single submitter. Criteria: ACMG Guidelines, 2015. Collection method: clinical testing. Allele origin: germline.

Ambry Genetics
Classification: Likely benign for Familial thoracic aortic aneurysm and aortic dissection. Last evaluated: 2020-01-03. Review status: criteria provided, single submitter. Criteria: Ambry Variant Classification Scheme 2023. Collection method: clinical testing. Allele origin: germline.

GeneDx
Classification: Likely benign. Last evaluated: 2019-01-03. Review status: criteria provided, single submitter. Criteria: GeneDx Variant Classification Process June 2021. Collection method: clinical testing. Allele origin: germline. Affected: yes.

Genetic Services Laboratory, University of Chicago
Classification: Likely benign. Last evaluated: 2016-12-09. Review status: criteria provided, single submitter. Criteria: ACMG Guidelines, 2015. Collection method: clinical testing. Allele origin: germline. Affected: no.

PreventionGenetics, part of Exact Sciences
Classification: Likely benign for FLNA-related condition. Last evaluated: 2019-04-01. Review status: no assertion criteria provided. Collection method: clinical testing. Allele origin: germline. Not counted in ClinVar's aggregate classification.
Comment: This variant is classified as likely benign based on ACMG/AMP sequence variant interpretation guidelines (Richards et al. 2015 PMID: 25741868, with internal and published modifications).